The following is an entry in ClinVar:

NM_016628.5(WAC):c.629G>C (p.Ser210Thr)

Gene: WAC (WW domain containing adaptor with coiled-coil; plus strand). Cytogenetic location: 10p12.1.
Variant type: single nucleotide variant.
Coding change: c.629G>C on transcript NM_016628.5 (MANE Select); coding-DNA position 629, G replaced by C.
Protein change: p.Ser210Thr; replaces serine 210 with threonine.
Molecular consequence: missense variant. On other transcripts: intron variant (1).
Genome position (GRCh38, 1-based): chr10:28,595,751, G>C. VCF-style: chr10-28595751-G-C. GRCh37 (hg19) VCF-style: chr10-28884680-G-C.
Other names: c.494G>C, p.Ser165Thr (NM_100264.3); c.610+4919G>C (NM_100486.4); short protein forms S165T, S210T.
Identifiers: ClinVar variation 3908035 (VCV003908035.1).

ClinVar aggregate classification (germline): Uncertain significance (1 of 4 stars; one submission).

Submission:

GeneDx
Classification: Uncertain significance. Last evaluated: 2024-12-26. Review status: criteria provided, single submitter. Criteria: GeneDx Variant Classification Process June 2021. Collection method: clinical testing. Allele origin: germline. Affected: yes.
Comment: Not observed at significant frequency in large population cohorts (gnomAD); In silico analysis indicates that this missense variant does not alter protein structure/function; Has not been previously published as pathogenic or benign to our knowledge